The following is an entry in ClinVar:

NM_000193.4(SHH):c.72C>A (p.Cys24Ter)

Gene: SHH (sonic hedgehog signaling molecule; minus strand). Cytogenetic location: 7q36.3.
Variant type: single nucleotide variant.
Coding change: c.72C>A on transcript NM_000193.4 (MANE Select); coding-DNA position 72, C replaced by A.
Protein change: p.Cys24Ter; replaces cysteine 24 with a stop codon.
Molecular consequence: nonsense.
Genome position (GRCh38, 1-based): chr7:155,812,051, G>T on the plus strand (C>A on the coding strand, the complement: SHH is on the minus strand). VCF-style: chr7-155812051-G-T. GRCh37 (hg19) VCF-style: chr7-155604745-G-T.
Other names: short protein forms C24*.
Identifiers: ClinVar variation 3775118 (VCV003775118.1).
Genomic context (GRCh38, chr7:155,812,051, plus strand): 5'-GTAGGCTAAAGGGGTCAGCTTTTTGGGGTGCCTCCTCTTCCCGAACCCCCTGCCCGGTCC[G>T]CACGCCAGTCCCGAGCATACCAGCAGCGAGGAGACGAGGACTAGCAGCAGACATCTCGCC-3'

ClinVar aggregate classification (germline): Pathogenic (1 of 4 stars; one submission).

Conditions:
Holoprosencephaly 3 (HPE3). Identifiers: Orphanet 2162, MedGen C1840529, MONDO:0007733, OMIM 142945.

Submission:

Laboratory of Molecular Genetics, CHU Rennes
Classification: Pathogenic for Holoprosencephaly 3. Last evaluated: 2025-02-27. Review status: criteria provided, single submitter. Criteria: ACMG Guidelines, 2015. Collection method: clinical testing. Allele origin: unknown. Inheritance: Autosomal dominant inheritance. Affected: yes.
Comment: The NM_000193.4:c.72C>A, is a nonsense variant in SHH which is predicted to result in a premature stop codon at position 24, and likely results in an absent or disrupted protein product (PVS1). This variant was found in several members of the same family with a typical holoprosencephaly form (PP1). This variant is not present in gnomAD (PM2). In summary, this variant meets criteria to be classified as pathogenic for holoprosencephaly based on the ACMG criteria applied.